The following is an entry in ClinVar:

ClinVar aggregate classification (germline): Pathogenic (1 of 4 stars; one submission).

Conditions:
Cohen syndrome (COH1). Also called: PEPPER SYNDROME; Cutis verticis gyrata, retinitis pigmentosa, and sensorineural deafness. Identifiers: Orphanet 193, MedGen C0265223, MONDO:0008999, OMIM 216550.

Submission:

Myriad Genetics, Inc.
Classification: Pathogenic for Cohen syndrome. Last evaluated: 2024-12-07. Review status: criteria provided, single submitter. Criteria: Myriad Autosomal Dominant, Autosomal Recessive and X-Linked Classification Criteria (2023). Collection method: clinical testing. Allele origin: unknown.
Comment: NM_017890.4(VPS13B):c.6624T>A(C2208*) is expected to be pathogenic in the context of Cohen syndrome. This variant is predicted to lead to an abnormal or absent protein product due to the creation of a premature termination codon in VPS13B, a gene where loss-of-function variants are known to be pathogenic. Please note: this variant was assessed in the context of healthy population screening.

NM_152564.5(VPS13B):c.6549T>A (p.Cys2183Ter)

Gene: VPS13B (vacuolar protein sorting 13 homolog B; plus strand). Cytogenetic location: 8q22.2.
Variant type: single nucleotide variant.
Coding change: c.6549T>A on transcript NM_152564.5 (MANE Select); coding-DNA position 6549, T replaced by A.
Protein change: p.Cys2183Ter; replaces cysteine 2183 with a stop codon.
Molecular consequence: nonsense.
Genome position (GRCh38, 1-based): chr8:99,717,265, T>A. VCF-style: chr8-99717265-T-A. GRCh37 (hg19) VCF-style: chr8-100729493-T-A.
Other names: c.6624T>A, p.Cys2208Ter (NM_017890.5); short protein forms C2183*, C2208*.
Identifiers: ClinVar variation 5013839 (VCV005013839.1).